The following is an entry in ClinVar:

ClinVar aggregate classification (germline): Uncertain significance (1 of 4 stars; one submission).

Submission:

Labcorp Genetics (formerly Invitae), Labcorp
Classification: Uncertain significance. Last evaluated: 2022-11-22. Review status: criteria provided, single submitter. Criteria: Invitae Variant Classification Sherloc (09022015). Collection method: clinical testing. Allele origin: germline.
Comment: This sequence change replaces alanine, which is neutral and non-polar, with threonine, which is neutral and polar, at codon 276 of the SLC7A13 protein (p.Ala276Thr). This variant is not present in population databases (gnomAD no frequency). This variant has not been reported in the literature in individuals affected with SLC7A13-related conditions. Algorithms developed to predict the effect of missense changes on protein structure and function are either unavailable or do not agree on the potential impact of this missense change (SIFT: "Deleterious"; PolyPhen-2: "Probably Damaging"; Align-GVGD: "Class C0"). Algorithms developed to predict the effect of sequence changes on RNA splicing suggest that this variant may create or strengthen a splice site. In summary, the available evidence is currently insufficient to determine the role of this variant in disease. Therefore, it has been classified as a Variant of Uncertain Significance.

NM_138817.3(SLC7A13):c.826G>A (p.Ala276Thr)

Gene: SLC7A13 (solute carrier family 7 member 13; minus strand). Cytogenetic location: 8q21.3.
Variant type: single nucleotide variant.
Coding change: c.826G>A on transcript NM_138817.3 (MANE Select); coding-DNA position 826, G replaced by A.
Protein change: p.Ala276Thr; replaces alanine 276 with threonine.
Molecular consequence: missense variant.
Genome position (GRCh38, 1-based): chr8:86,217,823, C>T on the plus strand (G>A on the coding strand, the complement: SLC7A13 is on the minus strand). VCF-style: chr8-86217823-C-T. GRCh37 (hg19) VCF-style: chr8-87230052-C-T.
Other names: short protein forms A276T.
Identifiers: ClinVar variation 1996900 (VCV001996900.4), dbSNP rs2536887397, ClinGen allele CA371432815.